The following is an entry in ClinVar:

NM_001122681.2(SH3BP2):c.787C>G (p.Arg263Gly)

Gene: SH3BP2 (SH3 domain binding protein 2; plus strand). Cytogenetic location: 4p16.3.
Variant type: single nucleotide variant.
Coding change: c.787C>G on transcript NM_001122681.2 (MANE Select); coding-DNA position 787, C replaced by G.
Protein change: p.Arg263Gly; replaces arginine 263 with glycine.
Molecular consequence: missense variant.
Genome position (GRCh38, 1-based): chr4:2,829,693, C>G. VCF-style: chr4-2829693-C-G. GRCh37 (hg19) VCF-style: chr4-2831420-C-G.
Other names: c.871C>G, p.Arg291Gly (NM_001145855.2); c.958C>G, p.Arg320Gly (NM_001145856.2); c.787C>G, p.Arg263Gly (NM_003023.4); short protein forms R291G, R263G, R320G.
Identifiers: ClinVar variation 4699972 (VCV004699972.1).

ClinVar aggregate classification (germline): Uncertain significance (1 of 4 stars; one submission).

Conditions:
Fibrous dysplasia of jaw (CRBM). Also called: Cherubism. Identifiers: Orphanet 184, MedGen C0008029, MONDO:0007315, OMIM 118400.

gnomAD v4.1: 17 of 1,612,826 alleles (0.0011%); highest among the groups gnomAD compares: Non-Finnish European, 0.000085%; no homozygotes.

Submission:

Labcorp Genetics (formerly Invitae), Labcorp
Classification: Uncertain significance for Fibrous dysplasia of jaw. Last evaluated: 2025-12-28. Review status: criteria provided, single submitter. Criteria: Invitae Variant Classification Sherloc (09022015). Collection method: clinical testing. Allele origin: germline.
Comment: This sequence change replaces arginine, which is basic and polar, with glycine, which is neutral and non-polar, at codon 263 of the SH3BP2 protein (p.Arg263Gly). This variant is present in population databases (rs539765774, gnomAD 0.02%). This variant has not been reported in the literature in individuals affected with SH3BP2-related conditions. Invitae Evidence Modeling of protein sequence and biophysical properties (such as structural, functional, and spatial information, amino acid conservation, physicochemical variation, residue mobility, and thermodynamic stability) has been performed for this missense variant. However, the output from this modeling did not meet the statistical confidence thresholds required to predict the impact of this variant on SH3BP2 protein function. In summary, the available evidence is currently insufficient to determine the role of this variant in disease. Therefore, it has been classified as a Variant of Uncertain Significance.